The following is an entry in ClinVar:

NM_001401501.2(MUC16):c.43473G>A (p.Glu14491=)

Gene: MUC16 (mucin 16, cell surface associated; minus strand). Cytogenetic location: 19p13.2.
Variant type: single nucleotide variant.
Coding change: c.43473G>A on transcript NM_001401501.2 (MANE Select); coding-DNA position 43473, G replaced by A.
Protein change: p.Glu14491=; no amino-acid change (glutamic acid 14491 retained).
Molecular consequence: synonymous variant.
Genome position (GRCh38, 1-based): chr19:8,886,799, C>T on the plus strand (G>A on the coding strand, the complement: MUC16 is on the minus strand). VCF-style: chr19-8886799-C-T. GRCh37 (hg19) VCF-style: chr19-8997475-C-T.
Other names: c.43899G>A, p.Glu14633= (NM_001414686.1); c.43353G>A, p.Glu14451= (NM_001414687.1); c.40947G>A, p.Glu13649= (NM_024690.2).
Identifiers: ClinVar variation 3037722 (VCV003037722.2), dbSNP rs939951929, ClinGen allele CA305064488.

ClinVar aggregate classification (germline): Likely benign (0 of 4 stars; one submission).

Conditions:
MUC16-related disorder. Also called: MUC16-related condition.

Allele frequency attached by ClinVar (database versions not stated): 1000 Genomes Project 30x 0.00609.

Submission:

PreventionGenetics, part of Exact Sciences
Classification: Likely benign for MUC16-related condition. Last evaluated: 2019-02-20. Review status: no assertion criteria provided. Collection method: clinical testing. Allele origin: germline.
Comment: This variant is classified as likely benign based on ACMG/AMP sequence variant interpretation guidelines (Richards et al. 2015 PMID: 25741868, with internal and published modifications).